The following is an entry in ClinVar:

ClinVar aggregate classification (germline): Uncertain significance (1 of 4 stars; one submission).

gnomAD v4.1: 2 of 1,608,566 alleles (0.00012%); highest among the groups gnomAD compares: Admixed American, 0.0034%; no homozygotes.

Submission:

GeneDx
Classification: Uncertain significance. Last evaluated: 2024-10-14. Review status: criteria provided, single submitter. Criteria: GeneDx Variant Classification Process June 2021. Collection method: clinical testing. Allele origin: germline. Affected: yes.
Comment: Not observed at significant frequency in large population cohorts (gnomAD); In silico analysis indicates that this missense variant does not alter protein structure/function; Has not been previously published as pathogenic or benign to our knowledge

NM_001378609.3(OTOGL):c.4714G>T (p.Ala1572Ser)

Gene: OTOGL (otogelin like; plus strand). Cytogenetic location: 12q21.31.
Variant type: single nucleotide variant.
Coding change: c.4714G>T on transcript NM_001378609.3 (MANE Select); coding-DNA position 4714, G replaced by T.
Protein change: p.Ala1572Ser; replaces alanine 1572 with serine.
Molecular consequence: missense variant.
Genome position (GRCh38, 1-based): chr12:80,336,526, G>T. VCF-style: chr12-80336526-G-T. GRCh37 (hg19) VCF-style: chr12-80730306-G-T.
Other names: c.4579G>T, p.Ala1527Ser (NM_001368062.3); c.4714G>T, p.Ala1572Ser (NM_001378610.3, NM_173591.7); short protein forms A1527S, A1572S.
Identifiers: ClinVar variation 3777460 (VCV003777460.1).